The following is an entry in ClinVar:

ClinVar aggregate classification (germline): Likely benign. Review status: criteria provided, multiple submitters, no conflicts (2 of 4 stars). 3 submissions from 3 submitters: Likely benign (3). Last evaluated 2025-11-17.

Conditions:
CA2-related disorder. Also called: CA2-related condition.
Osteopetrosis with renal tubular acidosis (OPTB3). Also called: Autosomal recessive osteopetrosis 3. Identifiers: Orphanet 2785, MedGen C0345407, MONDO:0009818, OMIM 259730.

Allele frequency attached by ClinVar (database versions not stated): ExAC 0.00003; gnomAD exomes 0.00005; gnomAD 0.00011; TOPMed 0.00028; 1000 Genomes Project 0.00060; 1000 Genomes Project 30x 0.00078.
gnomAD v4.1: 37 of 1,614,050 alleles (0.0023%); highest among the groups gnomAD compares: Admixed American, 0.04%; no homozygotes.

Submissions (3):

Labcorp Genetics (formerly Invitae), Labcorp
Classification: Likely benign. Last evaluated: 2025-11-17. Review status: criteria provided, single submitter. Criteria: Invitae Variant Classification Sherloc (09022015). Collection method: clinical testing. Allele origin: germline.

PreventionGenetics, part of Exact Sciences
Classification: Likely benign for CA2-related condition. Last evaluated: 2025-09-16. Review status: criteria provided, single submitter. Criteria: ACMG Guidelines, 2015. Collection method: clinical testing. Allele origin: germline.
Comment: This variant is classified as likely benign based on ACMG/AMP sequence variant interpretation guidelines (Richards et al. 2015 PMID: 25741868, with internal and published modifications).

Fulgent Genetics
Classification: Likely benign for Osteopetrosis with renal tubular acidosis. Last evaluated: 2021-10-20. Review status: criteria provided, single submitter. Criteria: ACMG Guidelines, 2015. Collection method: clinical testing. Allele origin: unknown.

NM_000067.3(CA2):c.534C>T (p.Phe178=)

Gene: CA2 (carbonic anhydrase 2; plus strand). Cytogenetic location: 8q21.2.
Variant type: single nucleotide variant.
Coding change: c.534C>T on transcript NM_000067.3 (MANE Select); coding-DNA position 534, C replaced by T.
Protein change: p.Phe178=; no amino-acid change (phenylalanine 178 retained).
Molecular consequence: synonymous variant.
Genome position (GRCh38, 1-based): chr8:85,477,146, C>T. VCF-style: chr8-85477146-C-T. GRCh37 (hg19) VCF-style: chr8-86389375-C-T.
Other names: c.231C>T, p.Phe77= (NM_001293675.2); c.534C>T (NM_000067.2).
Identifiers: ClinVar variation 1656000 (VCV001656000.10), dbSNP rs17850824, ClinGen allele CA4796568.